The following is an entry in ClinVar:

NM_000168.6(GLI3):c.1222G>A (p.Gly408Ser)

Gene: GLI3 (GLI family zinc finger 3; minus strand). Cytogenetic location: 7p14.1.
Variant type: single nucleotide variant.
Coding change: c.1222G>A on transcript NM_000168.6 (MANE Select); coding-DNA position 1222, G replaced by A.
Protein change: p.Gly408Ser; replaces glycine 408 with serine.
Molecular consequence: missense variant.
Genome position (GRCh38, 1-based): chr7:42,026,219, C>T on the plus strand (G>A on the coding strand, the complement: GLI3 is on the minus strand). VCF-style: chr7-42026219-C-T. GRCh37 (hg19) VCF-style: chr7-42065818-C-T.
Other names: short protein forms G408S.
Identifiers: ClinVar variation 798175 (VCV000798175.14), dbSNP rs200411081, ClinGen allele CA4230928.

ClinVar aggregate classification (germline): Conflicting classifications of pathogenicity. Review status: criteria provided, conflicting classifications (1 of 4 stars). 6 submissions from 6 submitters: Uncertain significance (1); Likely benign (5). Last evaluated 2025-10-13.

Conditions:
Inborn genetic diseases. Identifiers: MedGen C0950123, MeSH D030342.
Greig cephalopolysyndactyly syndrome (GCPS). Also called: GLI3-Related Greig Cephalopolysyndactyly Syndrome; Greig syndrome; POLYSYNDACTYLY WITH PECULIAR SKULL SHAPE. Identifiers: Orphanet 380, MedGen C0265306, MONDO:0008287, OMIM 175700.
Pallister-Hall syndrome (PHS). Also called: GLI3-Related Pallister-Hall Syndrome; HYPOTHALAMIC HAMARTOBLASTOMA, HYPOPITUITARISM, IMPERFORATE ANUS, AND POSTAXIAL POLYDACTYLY. Identifiers: Orphanet 672, MedGen C0265220, MONDO:0007804, OMIM 146510.
GLI3-related disorder. Also called: GLI3-related condition; GLI3-related disorders. Identifiers: MedGen CN239292.

Allele frequency attached by ClinVar (database versions not stated): gnomAD 0.00014 and 0.00015; TOPMed 0.00017; 1000 Genomes Project 0.00020; 1000 Genomes Project 30x 0.00031.
gnomAD v4.1: 149 of 1,613,044 alleles (0.0092%); highest among the groups gnomAD compares: Admixed American, 0.12%; 1 homozygote.

Submissions (6):

Labcorp Genetics (formerly Invitae), Labcorp
Classification: Likely benign for Pallister-Hall syndrome; Greig cephalopolysyndactyly syndrome. Last evaluated: 2025-10-13. Review status: criteria provided, single submitter. Criteria: Invitae Variant Classification Sherloc (09022015). Collection method: clinical testing. Allele origin: germline.

PreventionGenetics, part of Exact Sciences
Classification: Likely benign for GLI3-related condition. Last evaluated: 2025-06-17. Review status: criteria provided, single submitter. Criteria: ACMG Guidelines, 2015. Collection method: clinical testing. Allele origin: germline.
Comment: This variant is classified as likely benign based on ACMG/AMP sequence variant interpretation guidelines (Richards et al. 2015 PMID: 25741868, with internal and published modifications).

Blueprint Genetics
Classification: Likely benign. Last evaluated: 2024-11-07. Review status: criteria provided, single submitter. Criteria: ACMG Guidelines, 2015. Collection method: clinical testing. Allele origin: germline.

GeneDx
Classification: Uncertain significance. Last evaluated: 2024-06-13. Review status: criteria provided, single submitter. Criteria: GeneDx Variant Classification Process June 2021. Collection method: clinical testing. Allele origin: germline. Affected: yes.
Comment: In silico analysis indicates that this missense variant does not alter protein structure/function; Has not been previously published as pathogenic or benign to our knowledge

Ambry Genetics
Classification: Likely benign for Inborn genetic diseases. Last evaluated: 2024-02-27. Review status: criteria provided, single submitter. Criteria: Ambry Variant Classification Scheme 2023. Collection method: clinical testing. Allele origin: germline.

Breakthrough Genomics
Classification: Likely benign. Review status: criteria provided, single submitter. Criteria: ACMG Guidelines, 2015. Collection method: not provided. Allele origin: germline. Inheritance: Autosomal dominant inheritance. Affected: yes.